The following is an entry in ClinVar:

NM_016341.4(PLCE1):c.6874T>C (p.Leu2292=)

Genes: NOC3L (NOC3 like DNA replication regulator; minus strand), PLCE1 (phospholipase C epsilon 1; plus strand). Cytogenetic location: 10q23.33.
Variant type: single nucleotide variant.
Coding change: c.6874T>C on transcript NM_016341.4 (MANE Select); coding-DNA position 6874, T replaced by C.
Protein change: p.Leu2292=; no amino-acid change (leucine 2292 retained).
Molecular consequence: synonymous variant.
Genome position (GRCh38, 1-based): chr10:94,325,045, T>C. VCF-style: chr10-94325045-T-C. GRCh37 (hg19) VCF-style: chr10-96084802-T-C.
Other names: c.5950T>C, p.Leu1984= (NM_001165979.2); c.6826T>C, p.Leu2276= (NM_001288989.2).
Identifiers: ClinVar variation 3048914 (VCV003048914.4), dbSNP rs760867173, ClinGen allele CA5613680.

ClinVar aggregate classification (germline): Likely benign. Review status: criteria provided, single submitter (1 of 4 stars). 2 submissions from 2 submitters: Likely benign (1). 1 of the submissions does not count toward it. Last evaluated 2024-12-06.

Conditions:
PLCE1-related disorder. Also called: PLCE1-related condition.

Allele frequency attached by ClinVar (database versions not stated): ExAC 0.00001; gnomAD 0.00001.
gnomAD v4.1: 9 of 1,614,204 alleles (0.00056%); highest among the groups gnomAD compares: East Asian, 0.02%; no homozygotes.

Submissions (2):

Labcorp Genetics (formerly Invitae), Labcorp
Classification: Likely benign. Last evaluated: 2024-12-06. Review status: criteria provided, single submitter. Criteria: Invitae Variant Classification Sherloc (09022015). Collection method: clinical testing. Allele origin: germline.

PreventionGenetics, part of Exact Sciences
Classification: Likely benign for PLCE1-related condition. Last evaluated: 2022-03-07. Review status: no assertion criteria provided. Collection method: clinical testing. Allele origin: germline. Not counted in ClinVar's aggregate classification.
Comment: This variant is classified as likely benign based on ACMG/AMP sequence variant interpretation guidelines (Richards et al. 2015 PMID: 25741868, with internal and published modifications).